The following is an entry in ClinVar:

NM_003738.5(PTCH2):c.11C>T (p.Ser4Leu)

Gene: PTCH2 (patched 2; minus strand). Cytogenetic location: 1p34.1.
Variant type: single nucleotide variant.
Coding change: c.11C>T on transcript NM_003738.5 (MANE Select); coding-DNA position 11, C replaced by T.
Protein change: p.Ser4Leu; replaces serine 4 with leucine.
Molecular consequence: missense variant.
Genome position (GRCh38, 1-based): chr1:44,842,922, G>A on the plus strand (C>T on the coding strand, the complement: PTCH2 is on the minus strand). VCF-style: chr1-44842922-G-A. GRCh37 (hg19) VCF-style: chr1-45308594-G-A.
Other names: c.11C>T, p.Ser4Leu (NM_001166292.2); short protein forms S4L.
Identifiers: ClinVar variation 3672721 (VCV003672721.2).

ClinVar aggregate classification (germline): Uncertain significance (1 of 4 stars; one submission).

Conditions:
Gorlin syndrome. Also called: Basal cell nevus syndrome; Nevoid Basal Cell Carcinoma Syndrome. Identifiers: Orphanet 377, MedGen C0004779, MONDO:0007187.

gnomAD v4.1: 1 of 1,546,554 alleles (0.000065%); no homozygotes.

Submission:

Labcorp Genetics (formerly Invitae), Labcorp
Classification: Uncertain significance for Gorlin syndrome. Last evaluated: 2024-02-09. Review status: criteria provided, single submitter. Criteria: Invitae Variant Classification Sherloc (09022015). Collection method: clinical testing. Allele origin: germline.
Comment: This sequence change replaces serine, which is neutral and polar, with leucine, which is neutral and non-polar, at codon 4 of the PTCH2 protein (p.Ser4Leu). This variant is not present in population databases (gnomAD no frequency). This variant has not been reported in the literature in individuals affected with PTCH2-related conditions. An algorithm developed to predict the effect of missense changes on protein structure and function (PolyPhen-2) suggests that this variant is likely to be tolerated. In summary, the available evidence is currently insufficient to determine the role of this variant in disease. Therefore, it has been classified as a Variant of Uncertain Significance.